The following is an entry in ClinVar:

ClinVar aggregate classification (germline): Uncertain significance (1 of 4 stars; one submission).

Conditions:
LEPR-related disorder. Also called: LEPR-related disorders; LEPR-related condition.

Submission:

PreventionGenetics, part of Exact Sciences
Classification: Uncertain significance for LEPR-related condition. Last evaluated: 2026-08-12. Review status: criteria provided, single submitter. Criteria: ACMG Guidelines, 2015. Collection method: clinical testing. Allele origin: germline.
Comment: The LEPR c.3005A>C variant is predicted to result in the amino acid substitution p.Gln1002Pro. To our knowledge, this variant has not been reported in the literature or in a large population database (gnomAD), indicating this variant is rare. In vitro functional studies on this variant showed function similar to wild-type levels (Supplemental Data Set, Shah et al. 2023. PubMed ID: 36864747). At this time, the clinical significance of this variant is uncertain due to the absence of conclusive functional and genetic evidence.

NM_002303.6(LEPR):c.3005A>C (p.Gln1002Pro)

Gene: LEPR (leptin receptor; plus strand). Cytogenetic location: 1p31.3.
Variant type: single nucleotide variant.
Coding change: c.3005A>C on transcript NM_002303.6 (MANE Select); coding-DNA position 3005, A replaced by C.
Protein change: p.Gln1002Pro; replaces glutamine 1002 with proline.
Molecular consequence: missense variant.
Genome position (GRCh38, 1-based): chr1:65,636,522, A>C. VCF-style: chr1-65636522-A-C. GRCh37 (hg19) VCF-style: chr1-66102205-A-C.
Other names: short protein forms Q1002P.
Identifiers: ClinVar variation 4993641 (VCV004993641.1).